The following is an entry in ClinVar:

NM_001035.3(RYR2):c.6737C>T (p.Ser2246Leu)

Gene: RYR2 (ryanodine receptor 2; plus strand). Cytogenetic location: 1q43.
Variant type: single nucleotide variant.
Coding change: c.6737C>T on transcript NM_001035.3 (MANE Select); coding-DNA position 6737, C replaced by T.
Protein change: p.Ser2246Leu; replaces serine 2246 with leucine.
Molecular consequence: missense variant.
Genome position (GRCh38, 1-based): chr1:237,634,937, C>T. VCF-style: chr1-237634937-C-T. GRCh37 (hg19) VCF-style: chr1-237798237-C-T.
Other names: p.S2246L:TCG>TTG; c.6737C>T, p.Ser2246Leu (LRG_402t1); short protein forms S2246L.
Identifiers: ClinVar variation 12954 (VCV000012954.23), dbSNP rs121918597, ClinGen allele CA010282.

ClinVar aggregate classification (germline): Pathogenic. Review status: criteria provided, multiple submitters, no conflicts (2 of 4 stars). 7 submissions from 7 submitters: Pathogenic (6). 1 of the submissions does not count toward it. Last evaluated 2026-01-05.

Conditions:
RYR2-related disorder. Also called: RYR2-related condition.
Cardiovascular phenotype. Identifiers: MedGen CN230736.
Catecholaminergic polymorphic ventricular tachycardia 1. Also called: VENTRICULAR TACHYCARDIA, STRESS-INDUCED POLYMORPHIC 1; VENTRICULAR TACHYCARDIA, CATECHOLAMINERGIC POLYMORPHIC, 1, WITH OR WITHOUT ATRIAL DYSFUNCTION AND/OR DILATED CARDIOMYOPATHY; RYR2-Related Catecholaminergic Polymorphic Ventricular Tachycardia. Identifiers: Orphanet 3286, MedGen C1631597, MONDO:0011484, OMIM 604772.
Cardiomyopathy (CMYO). Also called: Cardiomyopathies. Identifiers: Orphanet 167848, MedGen C0878544, MONDO:0004994, HP:0001638. Inheritance: Various modes of inheritance.

Submissions (7):

Labcorp Genetics (formerly Invitae), Labcorp
Classification: Pathogenic for Catecholaminergic polymorphic ventricular tachycardia 1. Last evaluated: 2026-01-05. Review status: criteria provided, single submitter. Criteria: Invitae Variant Classification Sherloc (09022015). Collection method: clinical testing. Allele origin: germline.
Comment: This sequence change replaces serine, which is neutral and polar, with leucine, which is neutral and non-polar, at codon 2246 of the RYR2 protein (p.Ser2246Leu). This variant is not present in population databases (gnomAD no frequency). This missense change has been observed in individual(s) with catecholaminergic polymorphic ventricular tachycardia (PMID: 11208676, 16843546, 19926015, 23595086, 26114861). In at least one individual the variant was observed to be de novo. ClinVar contains an entry for this variant (Variation ID: 12954). Invitae Evidence Modeling of protein sequence and biophysical properties (such as structural, functional, and spatial information, amino acid conservation, physicochemical variation, residue mobility, and thermodynamic stability) indicates that this missense variant is expected to disrupt RYR2 protein function with a positive predictive value of 95%. Experimental studies have shown that this missense change affects RYR2 function (PMID: 12837242, 16239587, 18092949, 19226252, 21768539). For these reasons, this variant has been classified as Pathogenic.

PreventionGenetics, part of Exact Sciences
Classification: Pathogenic for RYR2-related condition. Last evaluated: 2024-12-14. Review status: criteria provided, single submitter. Criteria: ACMG Guidelines, 2015. Collection method: clinical testing. Allele origin: germline.
Comment: The RYR2 c.6737C>T variant is predicted to result in the amino acid substitution p.Ser2246Leu. This variant has been reported de novo in multiple individuals with catecholaminergic polymorphic ventricular tachycardia (CPVT) (see for example, Priori et al. 2001. PubMed ID: 11208676; Halvorsen et al. 2021. PubMed ID: 34930847; Table S2, Shimamoto et al. 2022. PubMed ID: 35135837). Multiple functional studies and mouse models note that this variant is located in the critical central region hot spot between amino acids 2246-2534 (see for example, Wang et al. 2007. PubMed ID: 17452324; Medeiros-Domingo et al. 2009. PubMed ID: 19926015) and suggest that the variant adversely affects the Ca2+ channel (see for example, Wehrens et al. 2003. PubMed ID: 12837242; Suetomi et al. 2011. PubMed ID: 21768539; Sleiman et al. 2021. PubMed ID: 34725342). This variant has not been reported in a large population database (gnomAD), indicating this variant is rare. This variant is interpreted as pathogenic.

Dasa
Classification: Pathogenic. Last evaluated: 2024-11-13. Review status: criteria provided, single submitter. Criteria: DASA Assertion Criteria. Collection method: clinical testing. Allele origin: germline.
Comment: NM_001035.3(RYR2):c.6737C>T (p.Ser2246Leu) is a missense variant that results in the substitution of serine with leucine. De novo occurrence has been reported in an individual with related phenotype. Functional evidence supports a deleterious effect on the gene or gene product (PMID: 21768539; PMID: 19926015; PMID: 34930847). This variant has been recurrently observed in individuals with related phenotype (PMID: 21768539; PMID: 19926015; PMID: 34930847). The variant is present at low frequency in population datasets. Based on the available data, this variant is classified as pathogenic.

Ambry Genetics
Classification: Pathogenic for Cardiovascular phenotype. Last evaluated: 2023-05-04. Review status: criteria provided, single submitter. Criteria: Ambry Variant Classification Scheme 2023. Collection method: clinical testing. Allele origin: germline.
Comment: The p.S2246L pathogenic mutation (also known as c.6737C>T), located in coding exon 44 of the RYR2 gene, results from a C to T substitution at nucleotide position 6737. The serine at codon 2246 is replaced by leucine, an amino acid with dissimilar properties. This mutation has been reported in several unrelated individuals reported to have catecholaminergic polymorphic ventricular tachycardia (CPVT), features of CPVT, or sudden arrest/death, including several cases in whom this mutation occurred de novo (Priori SG et al. Circulation, 2001 Jan;103:196-2001; Priori SG et al. Circulation, 2002 Jul;106:69-74; Aizawa Y et al. Int J Cardiol, 2007 Mar;116:263-5; Ohno S et al. PLoS One, 2015 Jun;10:e0131517; Halvorsen M et al. Proc Natl Acad Sci U S A, 2021 Dec;118; Anderson JH et al. Circ Cardiovasc Genet, 2016 Jun;9:259-65; Song JS et al. J Hum Genet, 2017 Jun;62:615-620; Roston TM et al. PLoS One, 2018 Nov;13:e0205925; Kawamura M et al. Circ J, 2013 Apr;77:1705-13; Chiu SN et al. Arch Dis Child, 2022 Jan;107:41-46; Eitoku T et al. HeartRhythm Case Rep, 2023 Mar;9:152-155). In vitro studies indicate this variant impacts protein function by way of increased calcium sensitivity (Wehrens XH et al. Cell, 2003 Jun;113:829-40; Jones PP et al. Biochem J, 2008 May;412:171-8). Furthermore, a knock-in mouse model expressing this variant recapitulated CPVT phenotype (Suetomi T et al. Circulation, 2011 Aug;124:682-94). This variant is considered to be rare based on population cohorts in the Genome Aggregation Database (gnomAD). This amino acid position is highly conserved in available vertebrate species. In addition, this alteration is predicted to be deleterious by in silico analysis. Based on the supporting evidence, this alteration is interpreted as a disease-causing mutation.

GeneDx
Classification: Pathogenic. Last evaluated: 2021-10-26. Review status: criteria provided, single submitter. Criteria: GeneDx Variant Classification Process June 2021. Collection method: clinical testing. Allele origin: germline. Affected: yes.
Comment: Not observed at significant frequency in large population cohorts (Lek et al., 2016); In silico analysis supports that this missense variant has a deleterious effect on protein structure/function; Published functional studies demonstrate a damaging effect by causing abnormal channel function (Wehrens et al., 2003; Jiang et al., 2005; Suetomi et al., 2011); Is located in one of the three hot-spot regions of the RYR2 gene, where the majority of pathogenic missense variants occur (Medeiros-Domingo et al., 2009); Reported in ClinVar as a pathogenic variant (ClinVar Variant ID# 12954; Landrum et al., 2016); This variant is associated with the following publications: (PMID: 27114410, 18092949, 16843546, 30403697, 31112425, 30640888, 19226252, 12837242, 21768539, 11208676, 15544015, 24025405, 19926015, 26114861, 12919952, 29427818, 28202948, 12093772, 29434162, 29453248, 29453246, 30975432, 30302938, 31995186, 23595086, 16239587, 26582918)

CHEO Genetics Diagnostic Laboratory, Children's Hospital of Eastern Ontario
Classification: Pathogenic for Cardiomyopathy. Last evaluated: 2020-01-20. Review status: criteria provided, single submitter. Criteria: ACMG Guidelines, 2015. Collection method: clinical testing. Allele origin: germline.

OMIM
Classification: Pathogenic for VENTRICULAR TACHYCARDIA, CATECHOLAMINERGIC POLYMORPHIC, 1. Last evaluated: 2002-07-02. Review status: no assertion criteria provided. Collection method: literature only. Allele origin: germline. Not counted in ClinVar's aggregate classification.

Literature cited by the submitters: PubMed 11208676 (cited by 3 submitters); PubMed 16843546 (cited by Labcorp Genetics (formerly Invitae), Labcorp and Ambry Genetics); PubMed 19926015 (cited by Labcorp Genetics (formerly Invitae), Labcorp and Dasa); PubMed 23595086 (cited by Labcorp Genetics (formerly Invitae), Labcorp and Ambry Genetics); PubMed 26114861 (cited by Labcorp Genetics (formerly Invitae), Labcorp and Ambry Genetics); PubMed 12837242 (cited by Labcorp Genetics (formerly Invitae), Labcorp and Ambry Genetics); PubMed 16239587 (cited by Labcorp Genetics (formerly Invitae), Labcorp and Ambry Genetics); PubMed 18092949 (cited by Labcorp Genetics (formerly Invitae), Labcorp and Ambry Genetics); PubMed 19226252 (cited by Labcorp Genetics (formerly Invitae), Labcorp); PubMed 21768539 (cited by 3 submitters); PubMed 34930847 (cited by Dasa and Ambry Genetics); PubMed 12093772 (cited by Ambry Genetics and OMIM); PubMed 27114410 (cited by Ambry Genetics); PubMed 28202948 (cited by Ambry Genetics); PubMed 30403697 (cited by Ambry Genetics); PubMed 30975432 (cited by Ambry Genetics); PubMed 31112425 (cited by Ambry Genetics); PubMed 34127479 (cited by Ambry Genetics); PubMed 36970376 (cited by Ambry Genetics).